The following is an entry in ClinVar:

ClinVar aggregate classification (germline): Uncertain significance (1 of 4 stars; one submission).

Conditions:
Hereditary cancer-predisposing syndrome. Also called: Neoplastic Syndromes, Hereditary; Tumor predisposition; Hereditary neoplastic syndrome; Hereditary Cancer Syndrome. Identifiers: Orphanet 140162, MedGen C0027672, MeSH D009386, MONDO:0015356.

Submission:

Ambry Genetics
Classification: Uncertain significance for Hereditary cancer-predisposing syndrome. Last evaluated: 2026-09-08. Review status: criteria provided, single submitter. Criteria: Ambry Variant Classification Scheme 2023. Collection method: clinical testing. Allele origin: germline.
Comment: The p.W269G variant (also known as c.805T>G), located in coding exon 5 of the NTHL1 gene, results from a T to G substitution at nucleotide position 805. The tryptophan at codon 269 is replaced by glycine, an amino acid with highly dissimilar properties. This amino acid position is conserved. In addition, the in silico prediction for this alteration is inconclusive. Based on the available evidence, the clinical significance of this variant remains unclear.

NM_002528.7(NTHL1):c.781T>G (p.Trp261Gly)

Gene: NTHL1 (nth like DNA glycosylase 1; minus strand). Cytogenetic location: 16p13.3.
Variant type: single nucleotide variant.
Coding change: c.781T>G on transcript NM_002528.7 (MANE Select); coding-DNA position 781, T replaced by G.
Protein change: p.Trp261Gly; replaces tryptophan 261 with glycine.
Molecular consequence: missense variant.
Genome position (GRCh38, 1-based): chr16:2,040,143, A>C on the plus strand (T>G on the coding strand, the complement: NTHL1 is on the minus strand). VCF-style: chr16-2040143-A-C. GRCh37 (hg19) VCF-style: chr16-2090144-A-C.
Other names: c.610T>G, p.Trp204Gly (NM_001318193.2); c.451T>G, p.Trp151Gly (NM_001318194.2); short protein forms W204G, W261G, W151G.
Identifiers: ClinVar variation 5025923 (VCV005025923.1).
Genomic context (GRCh38, chr16:2,040,143, plus strand): 5'-GGCGGGCGGGGTGAGCTCTTCTCCCTAGGAAGCCCCCCACATACTCATACCTAGGCAGCC[A>C]CTCCTCCAGGGCGGCGCGGGTCTCCTCTGGGGACTTGGTTGCCTTCTTGGTCCACCTCAG-3'
Protein context (NP_002519.2, residues 251-271): PEETRAALEE[Trp261Gly]LPRELWHEIN